The following is an entry in ClinVar:

ClinVar aggregate classification (germline): Uncertain significance (1 of 4 stars; one submission).

Conditions:
Catecholaminergic polymorphic ventricular tachycardia 1. Also called: RYR2-Related Catecholaminergic Polymorphic Ventricular Tachycardia; VENTRICULAR TACHYCARDIA, CATECHOLAMINERGIC POLYMORPHIC, 1, WITH OR WITHOUT ATRIAL DYSFUNCTION AND/OR DILATED CARDIOMYOPATHY; VENTRICULAR TACHYCARDIA, STRESS-INDUCED POLYMORPHIC 1. Identifiers: Orphanet 3286, MedGen C1631597, MONDO:0011484, OMIM 604772.

Allele frequency attached by ClinVar (database versions not stated): ExAC 0.00001.

Submission:

Labcorp Genetics (formerly Invitae), Labcorp
Classification: Uncertain significance for Catecholaminergic polymorphic ventricular tachycardia 1. Last evaluated: 2026-01-14. Review status: criteria provided, single submitter. Criteria: Invitae Variant Classification Sherloc (09022015). Collection method: clinical testing. Allele origin: germline.
Comment: This sequence change replaces arginine, which is basic and polar, with lysine, which is basic and polar, at codon 2082 of the RYR2 protein (p.Arg2082Lys). This variant is present in population databases (rs773022685, gnomAD 0.007%). This variant has not been reported in the literature in individuals affected with RYR2-related conditions. ClinVar contains an entry for this variant (Variation ID: 2894553). Invitae Evidence Modeling of protein sequence and biophysical properties (such as structural, functional, and spatial information, amino acid conservation, physicochemical variation, residue mobility, and thermodynamic stability) indicates that this missense variant is expected to disrupt RYR2 protein function with a positive predictive value of 95%. In summary, the available evidence is currently insufficient to determine the role of this variant in disease. Therefore, it has been classified as a Variant of Uncertain Significance.

NM_001035.3(RYR2):c.6245G>A (p.Arg2082Lys)

Gene: RYR2 (ryanodine receptor 2; plus strand). Cytogenetic location: 1q43.
Variant type: single nucleotide variant.
Coding change: c.6245G>A on transcript NM_001035.3 (MANE Select); coding-DNA position 6245, G replaced by A.
Protein change: p.Arg2082Lys; replaces arginine 2082 with lysine.
Molecular consequence: missense variant.
Genome position (GRCh38, 1-based): chr1:237,627,885, G>A. VCF-style: chr1-237627885-G-A. GRCh37 (hg19) VCF-style: chr1-237791185-G-A.
Other names: short protein forms R2082K.
Identifiers: ClinVar variation 2894553 (VCV002894553.3), dbSNP rs773022685, ClinGen allele CA087081.